The following is an entry in ClinVar:

ClinVar aggregate classification (germline): Uncertain significance (1 of 4 stars; one submission).

gnomAD v4.1: 1 of 1,408,388 alleles (0.000071%); highest among the groups gnomAD compares: Non-Finnish European, 0.000095%; no homozygotes.

Submission:

CeGaT Center for Human Genetics Tuebingen
Classification: Uncertain significance. Last evaluated: 2023-07-01. Review status: criteria provided, single submitter. Criteria: CeGaT Center For Human Genetics Tuebingen Variant Classification Criteria Version 2. Collection method: clinical testing. Allele origin: germline. Affected: yes. Observed: 1 variant allele.
Comment: ADGRV1: PM2, BP4

NM_032119.4(ADGRV1):c.361C>A (p.Pro121Thr)

Gene: ADGRV1 (adhesion G protein-coupled receptor V1; plus strand). Cytogenetic location: 5q14.3.
Variant type: single nucleotide variant.
Coding change: c.361C>A on transcript NM_032119.4 (MANE Select); coding-DNA position 361, C replaced by A.
Protein change: p.Pro121Thr; replaces proline 121 with threonine.
Molecular consequence: missense variant. On other transcripts: non-coding transcript variant (1).
Genome position (GRCh38, 1-based): chr5:90,619,089, C>A. VCF-style: chr5-90619089-C-A. GRCh37 (hg19) VCF-style: chr5-89914906-C-A.
Other names: short protein forms P121T.
Identifiers: ClinVar variation 2655584 (VCV002655584.24), dbSNP rs201592369, ClinGen allele CA360386344.